The following is an entry in ClinVar:

NM_001292063.2(OTOG):c.1369G>A (p.Val457Met)

Gene: OTOG (otogelin; plus strand). Cytogenetic location: 11p15.1.
Variant type: single nucleotide variant.
Coding change: c.1369G>A on transcript NM_001292063.2 (MANE Select); coding-DNA position 1369, G replaced by A.
Protein change: p.Val457Met; replaces valine 457 with methionine.
Molecular consequence: missense variant.
Genome position (GRCh38, 1-based): chr11:17,560,735, G>A. VCF-style: chr11-17560735-G-A. GRCh37 (hg19) VCF-style: chr11-17582282-G-A.
Other names: c.1405G>A, p.Val469Met (NM_001277269.2); short protein forms V457M, V469M.
Identifiers: ClinVar variation 673598 (VCV000673598.9), dbSNP rs756129872, ClinGen allele CA5905484.

ClinVar aggregate classification (germline): Uncertain significance. Review status: criteria provided, multiple submitters, no conflicts (2 of 4 stars). 2 submissions from 2 submitters: Uncertain significance (2). Last evaluated 2026-08-25.

Allele frequency attached by ClinVar (database versions not stated): gnomAD exomes 0.00004 and 0.00010; ExAC 0.00006; 1000 Genomes Project 30x 0.00016; gnomAD 0.00040 and 0.00043; TOPMed 0.00052.
gnomAD v4.1: 123 of 1,550,650 alleles (0.0079%); highest among the groups gnomAD compares: African/African-American, 0.13%; no homozygotes.

Submissions (2):

GeneDx
Classification: Uncertain significance. Last evaluated: 2026-08-25. Review status: criteria provided, single submitter. Criteria: GeneDx Variant Classification Process June 2021. Collection method: clinical testing. Allele origin: germline.
Comment: In silico analysis suggests that this missense variant does not alter protein structure/function; Has not been previously published as pathogenic or benign in association with an OTOG-related disorder to our knowledge; This variant is associated with the following publications: (PMID: 35982159, 33057194)

Blueprint Genetics
Classification: Uncertain significance. Last evaluated: 2023-06-21. Review status: criteria provided, single submitter. Criteria: ACMG Guidelines, 2015. Collection method: clinical testing. Allele origin: germline.